The following is an entry in ClinVar:

NM_001377.3(DYNC2H1):c.5443G>T (p.Val1815Leu)

Gene: DYNC2H1 (dynein cytoplasmic 2 heavy chain 1; plus strand). Cytogenetic location: 11q22.3.
Variant type: single nucleotide variant.
Coding change: c.5443G>T on transcript NM_001377.3 (MANE Select); coding-DNA position 5443, G replaced by T.
Protein change: p.Val1815Leu; replaces valine 1815 with leucine.
Molecular consequence: missense variant.
Genome position (GRCh38, 1-based): chr11:103,173,190, G>T. VCF-style: chr11-103173190-G-T. GRCh37 (hg19) VCF-style: chr11-103043919-G-T.
Other names: c.5443G>T, p.Val1815Leu (NM_001080463.2); short protein forms V1815L.
Identifiers: ClinVar variation 3691233 (VCV003691233.2).

ClinVar aggregate classification (germline): Uncertain significance (1 of 4 stars; one submission).

Conditions:
Jeune thoracic dystrophy. Also called: Jeune syndrome; Infantile thoracic dystrophy; Thoracic pelvic phalangeal dystrophy; Jeune's syndrome; Chondroectodermal dysplasia-like syndrome; Short-rib thoracic dysplasia. Identifiers: Orphanet 474, MedGen C0265275, MONDO:0018770.

gnomAD v4.1: 1 of 1,600,046 alleles (0.000062%); no homozygotes.

Submission:

Labcorp Genetics (formerly Invitae), Labcorp
Classification: Uncertain significance for Jeune thoracic dystrophy. Last evaluated: 2024-12-16. Review status: criteria provided, single submitter. Criteria: Invitae Variant Classification Sherloc (09022015). Collection method: clinical testing. Allele origin: germline.
Comment: This sequence change replaces valine, which is neutral and non-polar, with leucine, which is neutral and non-polar, at codon 1815 of the DYNC2H1 protein (p.Val1815Leu). This variant is not present in population databases (gnomAD no frequency). This variant has not been reported in the literature in individuals affected with DYNC2H1-related conditions. Invitae Evidence Modeling of protein sequence and biophysical properties (such as structural, functional, and spatial information, amino acid conservation, physicochemical variation, residue mobility, and thermodynamic stability) indicates that this missense variant is expected to disrupt DYNC2H1 protein function with a positive predictive value of 95%. In summary, the available evidence is currently insufficient to determine the role of this variant in disease. Therefore, it has been classified as a Variant of Uncertain Significance.